The following is an entry in ClinVar:

NM_003620.4(PPM1D):c.234T>A (p.Pro78=)

Gene: PPM1D (protein phosphatase, Mg2+/Mn2+ dependent 1D; plus strand). Cytogenetic location: 17q23.2.
Variant type: single nucleotide variant.
Coding change: c.234T>A on transcript NM_003620.4 (MANE Select); coding-DNA position 234, T replaced by A.
Protein change: p.Pro78=; no amino-acid change (proline 78 retained).
Molecular consequence: synonymous variant.
Genome position (GRCh38, 1-based): chr17:60,600,648, T>A. VCF-style: chr17-60600648-T-A. GRCh37 (hg19) VCF-style: chr17-58678009-T-A.
Identifiers: ClinVar variation 696501 (VCV000696501.34), dbSNP rs753797452, ClinGen allele CA8687544.

ClinVar aggregate classification (germline): Benign/Likely benign. Review status: criteria provided, multiple submitters, no conflicts (2 of 4 stars). 5 submissions from 5 submitters: Benign (3); Likely benign (2). Last evaluated 2026-01-05.

Allele frequency attached by ClinVar (database versions not stated): gnomAD exomes 0.00058; ExAC 0.00084; 1000 Genomes Project 30x 0.00031; TOPMed 0.00032; gnomAD 0.00052 and 0.00054.
gnomAD v4.1: 656 of 1,547,716 alleles (0.042%); highest among the groups gnomAD compares: Non-Finnish European, 0.038%; 1 homozygote.

Submissions (5):

Labcorp Genetics (formerly Invitae), Labcorp
Classification: Benign. Last evaluated: 2026-01-05. Review status: criteria provided, single submitter. Criteria: Invitae Variant Classification Sherloc (09022015). Collection method: clinical testing. Allele origin: germline.

Laboratory of Genetics, Children's Clinical University Hospital Latvia
Classification: Benign. Last evaluated: 2025-02-16. Review status: criteria provided, single submitter. Criteria: ACMG Guidelines, 2015. Collection method: clinical testing. Allele origin: germline. Affected: yes.

Blueprint Genetics
Classification: Likely benign. Last evaluated: 2024-10-17. Review status: criteria provided, single submitter. Criteria: ACMG Guidelines, 2015. Collection method: clinical testing. Allele origin: germline.

CeGaT Center for Human Genetics Tuebingen
Classification: Likely benign. Last evaluated: 2024-02-01. Review status: criteria provided, single submitter. Criteria: CeGaT Center For Human Genetics Tuebingen Variant Classification Criteria Version 2. Collection method: clinical testing. Allele origin: germline. Affected: yes. Observed: 1 variant allele.
Comment: PPM1D: BP4, BP7

Breakthrough Genomics
Classification: Benign. Review status: criteria provided, single submitter. Criteria: ACMG Guidelines, 2015. Collection method: not provided. Allele origin: germline. Inheritance: Autosomal dominant inheritance. Affected: yes.